The following is an entry in ClinVar:

NM_003560.4(PLA2G6):c.2246G>C (p.Trp749Ser)

Gene: PLA2G6 (phospholipase A2 group VI; minus strand). Cytogenetic location: 22q13.1.
Variant type: single nucleotide variant.
Coding change: c.2246G>C on transcript NM_003560.4 (MANE Select); coding-DNA position 2246, G replaced by C.
Protein change: p.Trp749Ser; replaces tryptophan 749 with serine.
Molecular consequence: missense variant.
Genome position (GRCh38, 1-based): chr22:38,112,534, C>G on the plus strand (G>C on the coding strand, the complement: PLA2G6 is on the minus strand). VCF-style: chr22-38112534-C-G. GRCh37 (hg19) VCF-style: chr22-38508541-C-G.
Other names: NM_003560.4(PLA2G6):c.2246G>C; p.Trp749Ser; c.2084G>C, p.Trp695Ser (NM_001004426.3, NM_001199562.3, NM_001349865.2 and 1 more transcripts); c.2246G>C, p.Trp749Ser (NM_001349864.2); c.1712G>C, p.Trp571Ser (NM_001349867.2); c.1568G>C, p.Trp523Ser (NM_001349868.2); c.1550G>C, p.Trp517Ser (NM_001349869.2); short protein forms W749S, W523S, W517S, W571S, W695S.
Identifiers: ClinVar variation 159763 (VCV000159763.16), dbSNP rs587784351, ClinGen allele CA173260.
Genomic context (GRCh38, chr22:38,112,534, plus strand): 5'-GGCCAAGGGCTGGGGCGGCTGAGCCCTCACCTGAAGTACTGGATGCCGACCATCTCGCAC[C>G]AGGCCCGTGCCCGGTCCACAGCCCGCCCGTCTGGATCCGTGCACTGGTGAGAAGCAGCCT-3'
Protein context (NP_003551.2, residues 739-759): DGRAVDRARA[Trp749Ser]CEMVGIQYFR

ClinVar aggregate classification (germline): Conflicting classifications of pathogenicity. Review status: criteria provided, conflicting classifications (1 of 4 stars). 5 submissions from 5 submitters: Likely pathogenic (2); Uncertain significance (3). Last evaluated 2025-04-30.

Conditions:
PLA2G6-associated neurodegeneration (PLAN). Also called: phospholipase A2-associated neurodegeneration. Identifiers: Orphanet 329303, MedGen CN204472, MONDO:0017998.
Infantile neuroaxonal dystrophy (NBIA2A). Also called: Infantile neuroaxonal dystrophy 1; NEURODEGENERATION WITH BRAIN IRON ACCUMULATION 2A; SEITELBERGER DISEASE. Identifiers: Orphanet 35069, MedGen C0270724, MONDO:0024457, OMIM 256600.
Iron accumulation in brain. Identifiers: MedGen C4021076, HP:0012675.

Allele frequency attached by ClinVar (database versions not stated): gnomAD exomes 0.00001.
gnomAD v4.1: 18 of 1,555,020 alleles (0.0012%); highest among the groups gnomAD compares: Non-Finnish European, 0.0015%; no homozygotes.

Submissions (5):

Broad Center for Mendelian Genomics, Broad Institute of MIT and Harvard
Classification: Uncertain significance for PLA2G6-associated neurodegeneration. Last evaluated: 2025-04-30. Review status: criteria provided, single submitter. Criteria: ACMG Guidelines, 2015. Collection method: curation. Allele origin: germline. Inheritance: Autosomal recessive inheritance.
Comment: The p.Trp749Ser variant in PLA2G6 has not been previously reported in the literature in individuals with PLA2G6-associated neurodegeneration, but has been identified in 0.001% (17/1150436) of European (non-Finnish) chromosomes by the Genome Aggregation Database (gnomAD; dbSNP ID: rs587784351). Although this variant has been seen in the general population in a heterozygous state, its frequency is low enough to be consistent with a recessive carrier frequency. This variant has also been reported in ClinVar (VCV000159763.14) and has been interpreted as likely pathogenic by Genetic Services Laboratory (University of Chicago) and GeneDx, and a variant of uncertain significance by Labcorp Genetics. Computational prediction tools and conservation analyses suggest that this variant may impact the protein, though this information is not predictive enough to determine pathogenicity. In summary, the clinical significance of the p.Trp749Ser variant is uncertain. ACMG/AMP Criteria applied: PM2_supporting, PP3_moderate (Richards 2015).

Labcorp Genetics (formerly Invitae), Labcorp
Classification: Uncertain significance for Infantile neuroaxonal dystrophy. Last evaluated: 2024-05-15. Review status: criteria provided, single submitter. Criteria: Invitae Variant Classification Sherloc (09022015). Collection method: clinical testing. Allele origin: germline.
Comment: This sequence change replaces tryptophan, which is neutral and slightly polar, with serine, which is neutral and polar, at codon 749 of the PLA2G6 protein (p.Trp749Ser). This variant is not present in population databases (gnomAD no frequency). This variant has not been reported in the literature in individuals affected with PLA2G6-related conditions. ClinVar contains an entry for this variant (Variation ID: 159763). Advanced modeling of protein sequence and biophysical properties (such as structural, functional, and spatial information, amino acid conservation, physicochemical variation, residue mobility, and thermodynamic stability) performed at Invitae indicates that this missense variant is expected to disrupt PLA2G6 protein function with a positive predictive value of 80%. In summary, the available evidence is currently insufficient to determine the role of this variant in disease. Therefore, it has been classified as a Variant of Uncertain Significance.

Women's Health and Genetics/Laboratory Corporation of America, LabCorp
Classification: Uncertain significance. Last evaluated: 2024-05-01. Review status: criteria provided, single submitter. Criteria: LabCorp Variant Classification Summary - May 2015. Collection method: clinical testing. Allele origin: germline.
Comment: Variant summary: PLA2G6 c.2246G>C (p.Trp749Ser) results in a non-conservative amino acid change in the encoded protein sequence. Five of five in-silico tools predict a damaging effect of the variant on protein function. The variant was absent in 157752 control chromosomes. The available data on variant occurrences in the general population are insufficient to allow any conclusion about variant significance. To our knowledge, no occurrence of c.2246G>C in individuals affected with Neurodegeneration With Brain Iron Accumulation and no experimental evidence demonstrating its impact on protein function have been reported. ClinVar contains an entry for this variant (Variation ID: 159763). Based on the evidence outlined above, the variant was classified as uncertain significance.

GeneDx
Classification: Likely pathogenic. Last evaluated: 2015-04-10. Review status: criteria provided, single submitter. Criteria: GeneDx Variant Classification (06012015). Collection method: clinical testing. Allele origin: germline. Affected: yes.
Comment: The W749S variant in the PLA2G6 gene has not been published as a pathogenic variant, nor has it been reported as a benign polymorphism to our knowledge. The W749S variant was not observed in approximately 6,350 individuals of European and African American ancestry in the NHLBI Exome Sequencing Project, indicating it is not a common benign variant in these populations. The W749S variant is a non-conservative amino acid substitution, which is likely to impact secondary protein structure as these residues differ in polarity, charge, size and/or other properties. This substitution occurs at a position that is conserved across species. In silico analysis predicts this variant is probably damaging to the protein structure/function. Furthermore, numerous missense variants in nearby residues (R741Q; R741W; R745W; R745P; R747W; E751K; G754V) have been reported in the Human Gene Mutation Database in association with PLA2G6-related disorders (Stenson et al., 2014), supporting the functional importance of this region of the protein. The W749S variant is a strong candidate for a disease-causing variant however, the possibility it may be a rare benign variant cannot be excluded

Genetic Services Laboratory, University of Chicago
Classification: Likely pathogenic for iron accumulation in brain. Last evaluated: 2013-02-08. Review status: criteria provided, single submitter. Criteria: ACMG Guidelines, 2007. Collection method: clinical testing. Allele origin: germline. Inheritance: Autosomal recessive inheritance. Affected: yes.